The following is an entry in ClinVar:

NM_030632.3(ASXL3):c.5293C>G (p.Pro1765Ala)

Gene: ASXL3 (ASXL transcriptional regulator 3; plus strand). Cytogenetic location: 18q12.1.
Variant type: single nucleotide variant.
Coding change: c.5293C>G on transcript NM_030632.3 (MANE Select); coding-DNA position 5293, C replaced by G.
Protein change: p.Pro1765Ala; replaces proline 1765 with alanine.
Molecular consequence: missense variant.
Genome position (GRCh38, 1-based): chr18:33,745,141, C>G. VCF-style: chr18-33745141-C-G. GRCh37 (hg19) VCF-style: chr18-31325105-C-G.
Other names: short protein forms P1765A.
Identifiers: ClinVar variation 1804433 (VCV001804433.2), dbSNP rs976295799, ClinGen allele CA402193706.

ClinVar aggregate classification (germline): Uncertain significance (1 of 4 stars; one submission).

Submission:

GeneDx
Classification: Uncertain significance. Last evaluated: 2024-02-23. Review status: criteria provided, single submitter. Criteria: GeneDx Variant Classification Process June 2021. Collection method: clinical testing. Allele origin: germline.
Comment: Not observed at significant frequency in large population cohorts (gnomAD); In silico analysis supports that this missense variant has a deleterious effect on protein structure/function; Has not been previously published as pathogenic or benign to our knowledge